The following is an entry in ClinVar:

ClinVar aggregate classification (germline): Uncertain significance (1 of 4 stars; one submission).

Allele frequency attached by ClinVar (database versions not stated): gnomAD 0.00001.
gnomAD v4.1: 4 of 1,512,766 alleles (0.00026%); highest among the groups gnomAD compares: Non-Finnish European, 0.00037%; no homozygotes.

Submission:

Labcorp Genetics (formerly Invitae), Labcorp
Classification: Uncertain significance. Last evaluated: 2022-08-12. Review status: criteria provided, single submitter. Criteria: Invitae Variant Classification Sherloc (09022015). Collection method: clinical testing. Allele origin: germline.
Comment: In summary, the available evidence is currently insufficient to determine the role of this variant in disease. Therefore, it has been classified as a Variant of Uncertain Significance. Algorithms developed to predict the effect of sequence changes on RNA splicing suggest that this variant is not likely to affect RNA splicing. This variant has not been reported in the literature in individuals affected with PLOD2-related conditions. This variant is not present in population databases (gnomAD no frequency). This sequence change affects codon 293 of the PLOD2 mRNA. It is a 'silent' change, meaning that it does not change the encoded amino acid sequence of the PLOD2 protein. It affects a nucleotide within the consensus splice site.

NM_182943.3(PLOD2):c.879T>C (p.Asp293=)

Gene: PLOD2 (procollagen-lysine,2-oxoglutarate 5-dioxygenase 2; minus strand). Cytogenetic location: 3q24.
Variant type: single nucleotide variant.
Coding change: c.879T>C on transcript NM_182943.3 (MANE Select); coding-DNA position 879, T replaced by C.
Protein change: p.Asp293=; no amino-acid change (aspartic acid 293 retained).
Molecular consequence: synonymous variant.
Genome position (GRCh38, 1-based): chr3:146,091,800, A>G on the plus strand (T>C on the coding strand, the complement: PLOD2 is on the minus strand). VCF-style: chr3-146091800-A-G. GRCh37 (hg19) VCF-style: chr3-145809587-A-G.
Other names: c.879T>C, p.Asp293= (NM_000935.3).
Identifiers: ClinVar variation 1905526 (VCV001905526.3), dbSNP rs1252359234, ClinGen allele CA436185617.